The following is an entry in ClinVar:

ClinVar aggregate classification (germline): Benign (1 of 4 stars; one submission).

Allele frequency attached by ClinVar (database versions not stated): TOPMed 0.16237; 1000 Genomes Project 30x 0.16240; 1000 Genomes Project 0.16294; gnomAD 0.17363 and 0.17661.
gnomAD v4.1: 26,837 of 152,146 alleles (18%); highest among the groups gnomAD compares: Middle Eastern, 24%; 2,629 homozygotes.

Submission:

GeneDx
Classification: Benign. Last evaluated: 2019-08-23. Review status: criteria provided, single submitter. Criteria: GeneDx Variant Classification Process June 2021. Collection method: clinical testing. Allele origin: germline. Affected: yes.
Comment: This variant is associated with the following publications: (PMID: 24661001)

NM_005732.4(RAD50):c.3752+630C>T

Genes: RAD50 (RAD50 double strand break repair protein; plus strand), TH2-LCR (Th2 cytokine locus control region; plus strand), TH2LCRR (T helper type 2 locus control region associated RNA; minus strand). Cytogenetic location: 5q31.1.
Variant type: single nucleotide variant.
Coding change: c.3752+630C>T on transcript NM_005732.4 (MANE Select); 630 bases into the intron after coding-DNA position 3752, C replaced by T.
Molecular consequence: intron variant.
Genome position (GRCh38, 1-based): chr5:132,641,435, C>T. VCF-style: chr5-132641435-C-T. GRCh37 (hg19) VCF-style: chr5-131977127-C-T.
Identifiers: ClinVar variation 1248377 (VCV001248377.2), dbSNP rs2240032, ClinGen allele CA11981409.